The following is an entry in ClinVar:

ClinVar aggregate classification (germline): Uncertain significance (1 of 4 stars; one submission).

Conditions:
Neurodevelopmental disorder with microcephaly, impaired language, epilepsy, and gait abnormalities. Identifiers: MedGen C5436788, MONDO:0030837, OMIM 619092.

Allele frequency attached by ClinVar (database versions not stated): gnomAD 0.00001.
gnomAD v4.1: 5 of 1,614,000 alleles (0.00031%); highest among the groups gnomAD compares: Admixed American, 0.0017%; no homozygotes.

Submission:

New York Genome Center
Classification: Uncertain significance for Neurodevelopmental disorder with microcephaly, impaired language, epilepsy, and gait abnormalities. Last evaluated: 2021-02-10. Review status: criteria provided, single submitter. Criteria: NYGC Assertion Criteria 2020. Collection method: clinical testing. Allele origin: germline. Observed: 1 heterozygote. Study: CSER-NYCKidSeq.
Comment: The c.644G>T, p.Gly215Val missense variant identified in NARS1 has not been reported in the literature. This variant is absent in the gnomAD v3.1database, indicating this is a rare allele and in silico analysis predicts deleterious effect [PMID:27268795]. The position is strongly conserved (GERP++ = 6.17). Based on the available evidence, the missense variant c.644G>T, p.Gly215Val in the NARS1 gene is classified as a Variant of Uncertain Significance.

NM_004539.4(NARS1):c.644G>T (p.Gly215Val)

Gene: NARS1 (asparaginyl-tRNA synthetase 1; minus strand). Cytogenetic location: 18q21.31.
Variant type: single nucleotide variant.
Coding change: c.644G>T on transcript NM_004539.4 (MANE Select); coding-DNA position 644, G replaced by T.
Protein change: p.Gly215Val; replaces glycine 215 with valine.
Molecular consequence: missense variant.
Genome position (GRCh38, 1-based): chr18:57,607,601, C>A on the plus strand (G>T on the coding strand, the complement: NARS1 is on the minus strand). VCF-style: chr18-57607601-C-A. GRCh37 (hg19) VCF-style: chr18-55274833-C-A.
Other names: short protein forms G215V.
Identifiers: ClinVar variation 1341809 (VCV001341809.1), dbSNP rs2051570122, ClinGen allele CA402549358.
Genomic context (GRCh38, chr18:57,607,601, plus strand): 5'-ATGTGTCTGTTGTTGAGCTGGACATCAACGTCAGACTCCTCATTGATCAGGTTGTCAGCT[C>A]CTCCAGCAGGGGCCAACCCAATTAGTTCCCAGAAGTCACAACTCAGCTCATGGCCACCTG-3'
Protein context (NP_004530.1, residues 205-225): WELIGLAPAG[Gly215Val]ADNLINEESD